The following is an entry in ClinVar:

NM_020549.5(CHAT):c.1281+6C>T

Gene: CHAT (choline O-acetyltransferase; plus strand). Cytogenetic location: 10q11.23.
Variant type: single nucleotide variant.
Coding change: c.1281+6C>T on transcript NM_020549.5 (MANE Select); 6 bases into the intron after coding-DNA position 1281, C replaced by T.
Molecular consequence: intron variant.
Genome position (GRCh38, 1-based): chr10:49,646,680, C>T. VCF-style: chr10-49646680-C-T. GRCh37 (hg19) VCF-style: chr10-50854726-C-T.
Other names: c.927+6C>T (NM_020984.4, NM_020985.4, NM_020986.4 and 2 more transcripts); c.1035+6C>T (NM_001142933.2).
Identifiers: ClinVar variation 1403203 (VCV001403203.3), dbSNP rs745923819, ClinGen allele CA206637139.
Genomic context (GRCh38, chr10:49,646,680, plus strand): 5'-CGGCGGAGGCTACAGCAAGAACGGGGCCAATCGCTGGTACGACAAGTCCCTGCAGGTAAG[C>T]CGTCCAGGTGGCCCTGCAAGAGCACAGCCATGCCCCCAGCGAGAGAGTGAGTAGGCAAGC-3'

ClinVar aggregate classification (germline): Uncertain significance (1 of 4 stars; one submission).

Conditions:
Familial infantile myasthenia (CMS6). Also called: Congenital myasthenic syndrome type 6; MYASTHENIC SYNDROME, CONGENITAL, 6, PRESYNAPTIC; MYASTHENIC SYNDROME, PRESYNAPTIC, CONGENITAL, ASSOCIATED WITH EPISODIC APNEA. Identifiers: Orphanet 590, MedGen C0393929, MONDO:0009689, OMIM 254210.

Allele frequency attached by ClinVar (database versions not stated): gnomAD exomes 0.00001; TOPMed 0.00001.
gnomAD v4.1: 7 of 1,613,020 alleles (0.00043%); highest among the groups gnomAD compares: Non-Finnish European, 0.00059%; no homozygotes.

Submission:

Labcorp Genetics (formerly Invitae), Labcorp
Classification: Uncertain significance for Familial infantile myasthenia. Last evaluated: 2022-05-28. Review status: criteria provided, single submitter. Criteria: Invitae Variant Classification Sherloc (09022015). Collection method: clinical testing. Allele origin: germline.
Comment: This sequence change falls in intron 8 of the CHAT gene. It does not directly change the encoded amino acid sequence of the CHAT protein. It affects a nucleotide within the consensus splice site. This variant is not present in population databases (gnomAD no frequency). This variant has not been reported in the literature in individuals affected with CHAT-related conditions. ClinVar contains an entry for this variant (Variation ID: 1403203). Variants that disrupt the consensus splice site are a relatively common cause of aberrant splicing (PMID: 17576681, 9536098). Algorithms developed to predict the effect of sequence changes on RNA splicing suggest that this variant is not likely to affect RNA splicing. In summary, the available evidence is currently insufficient to determine the role of this variant in disease. Therefore, it has been classified as a Variant of Uncertain Significance.

Literature cited by the submitters: PubMed 17576681; PubMed 9536098.